The following is an entry in ClinVar:

NM_032776.3(JMJD1C):c.1280T>A (p.Leu427Gln)

Gene: JMJD1C (jumonji domain containing 1C; minus strand). Cytogenetic location: 10q21.3.
Variant type: single nucleotide variant.
Coding change: c.1280T>A on transcript NM_032776.3 (MANE Select); coding-DNA position 1280, T replaced by A.
Protein change: p.Leu427Gln; replaces leucine 427 with glutamine.
Molecular consequence: missense variant. On other transcripts: non-coding transcript variant (1).
Genome position (GRCh38, 1-based): chr10:63,214,887, A>T on the plus strand (T>A on the coding strand, the complement: JMJD1C is on the minus strand). VCF-style: chr10-63214887-A-T. GRCh37 (hg19) VCF-style: chr10-64974647-A-T.
Other names: c.734T>A, p.Leu245Gln (NM_001282948.2, NM_001318154.2); c.416T>A, p.Leu139Gln (NM_001318153.2); c.1166T>A, p.Leu389Gln (NM_001322252.2); c.623T>A, p.Leu208Gln (NM_001322254.2, NM_001322258.2); short protein forms L208Q, L389Q, L245Q, L427Q, L139Q.
Identifiers: ClinVar variation 2713263 (VCV002713263.3), dbSNP rs2492788440, ClinGen allele CA377050144.

ClinVar aggregate classification (germline): Uncertain significance (1 of 4 stars; one submission).

Conditions:
Early Myoclonic Encephalopathy. Identifiers: MedGen C0270855.

Submission:

Labcorp Genetics (formerly Invitae), Labcorp
Classification: Uncertain significance for Early Myoclonic Encephalopathy. Last evaluated: 2023-09-15. Review status: criteria provided, single submitter. Criteria: Invitae Variant Classification Sherloc (09022015). Collection method: clinical testing. Allele origin: germline.
Comment: This sequence change replaces leucine, which is neutral and non-polar, with glutamine, which is neutral and polar, at codon 427 of the JMJD1C protein (p.Leu427Gln). This variant is not present in population databases (gnomAD no frequency). This variant has not been reported in the literature in individuals affected with JMJD1C-related conditions. Advanced modeling of protein sequence and biophysical properties (such as structural, functional, and spatial information, amino acid conservation, physicochemical variation, residue mobility, and thermodynamic stability) performed at Invitae indicates that this missense variant is not expected to disrupt JMJD1C protein function. In summary, the available evidence is currently insufficient to determine the role of this variant in disease. Therefore, it has been classified as a Variant of Uncertain Significance.